The following is an entry in ClinVar:

NM_001163435.3(TBCK):c.374A>G (p.Asp125Gly)

Gene: TBCK (TBC1 domain containing kinase; minus strand). Cytogenetic location: 4q24.
Variant type: single nucleotide variant.
Coding change: c.374A>G on transcript NM_001163435.3 (MANE Select); coding-DNA position 374, A replaced by G.
Protein change: p.Asp125Gly; replaces aspartic acid 125 with glycine.
Molecular consequence: missense variant. On other transcripts: 5 prime UTR variant (1), intron variant (1).
Genome position (GRCh38, 1-based): chr4:106,262,105, T>C on the plus strand (A>G on the coding strand, the complement: TBCK is on the minus strand). VCF-style: chr4-106262105-T-C. GRCh37 (hg19) VCF-style: chr4-107183262-T-C.
Other names: c.374A>G, p.Asp125Gly (NM_001163436.4, NM_001163437.3); c.-244A>G (NM_001290768.2); c.267-10098A>G (NM_033115.5); short protein forms D125G.
Identifiers: ClinVar variation 2188153 (VCV002188153.1), dbSNP rs1043123580, ClinGen allele CA103416674.

ClinVar aggregate classification (germline): Uncertain significance (1 of 4 stars; one submission).

Allele frequency attached by ClinVar (database versions not stated): TOPMed 0.00001.

Submission:

Labcorp Genetics (formerly Invitae), Labcorp
Classification: Uncertain significance. Last evaluated: 2022-07-06. Review status: criteria provided, single submitter. Criteria: Invitae Variant Classification Sherloc (09022015). Collection method: clinical testing. Allele origin: germline.
Comment: This sequence change replaces aspartic acid, which is acidic and polar, with glycine, which is neutral and non-polar, at codon 125 of the TBCK protein (p.Asp125Gly). This variant is present in population databases (no rsID available, gnomAD 0.009%). This variant has not been reported in the literature in individuals affected with TBCK-related conditions. Algorithms developed to predict the effect of missense changes on protein structure and function are either unavailable or do not agree on the potential impact of this missense change (SIFT: "Deleterious"; PolyPhen-2: "Benign"; Align-GVGD: "Class C0"). In summary, the available evidence is currently insufficient to determine the role of this variant in disease. Therefore, it has been classified as a Variant of Uncertain Significance.